The following is an entry in ClinVar:

ClinVar aggregate classification (germline): Uncertain significance (1 of 4 stars; one submission).

Conditions:
Spastic paraplegia. Identifiers: MedGen C0037772, HP:0001258.

Allele frequency attached by ClinVar (database versions not stated): ExAC 0.00001; gnomAD exomes below 0.00001.
gnomAD v4.1: 8 of 1,614,190 alleles (0.0005%); highest among the groups gnomAD compares: South Asian, 0.0088%; no homozygotes.

Submission:

Labcorp Genetics (formerly Invitae), Labcorp
Classification: Uncertain significance for Spastic paraplegia. Last evaluated: 2022-11-20. Review status: criteria provided, single submitter. Criteria: Invitae Variant Classification Sherloc (09022015). Collection method: clinical testing. Allele origin: germline.
Comment: In summary, the available evidence is currently insufficient to determine the role of this variant in disease. Therefore, it has been classified as a Variant of Uncertain Significance. Algorithms developed to predict the effect of missense changes on protein structure and function are either unavailable or do not agree on the potential impact of this missense change (SIFT: "Tolerated"; PolyPhen-2: "Probably Damaging"; Align-GVGD: "Class C0"). ClinVar contains an entry for this variant (Variation ID: 1473731). This variant has not been reported in the literature in individuals affected with ZFYVE26-related conditions. This variant is present in population databases (rs752759035, gnomAD 0.003%). This sequence change replaces proline, which is neutral and non-polar, with serine, which is neutral and polar, at codon 1664 of the ZFYVE26 protein (p.Pro1664Ser).

NM_015346.4(ZFYVE26):c.4990C>T (p.Pro1664Ser)

Gene: ZFYVE26 (zinc finger FYVE-type containing 26; minus strand). Cytogenetic location: 14q24.1.
Variant type: single nucleotide variant.
Coding change: c.4990C>T on transcript NM_015346.4 (MANE Select); coding-DNA position 4990, C replaced by T.
Protein change: p.Pro1664Ser; replaces proline 1664 with serine.
Molecular consequence: missense variant.
Genome position (GRCh38, 1-based): chr14:67,776,091, G>A on the plus strand (C>T on the coding strand, the complement: ZFYVE26 is on the minus strand). VCF-style: chr14-67776091-G-A. GRCh37 (hg19) VCF-style: chr14-68242808-G-A.
Other names: short protein forms P1664S.
Identifiers: ClinVar variation 1473731 (VCV001473731.6), dbSNP rs752759035, ClinGen allele CA7239609.